The following is an entry in ClinVar:

NM_001358530.2(MOCS1):c.1132C>G (p.Arg378Gly)

Gene: MOCS1 (molybdenum cofactor synthesis 1; minus strand). Cytogenetic location: 6p21.2.
Variant type: single nucleotide variant.
Coding change: c.1132C>G on transcript NM_001358530.2 (MANE Select); coding-DNA position 1132, C replaced by G.
Protein change: p.Arg378Gly; replaces arginine 378 with glycine.
Molecular consequence: missense variant. On other transcripts: intron variant (1).
Genome position (GRCh38, 1-based): chr6:39,909,073, G>C on the plus strand (C>G on the coding strand, the complement: MOCS1 is on the minus strand). VCF-style: chr6-39909073-G-C. GRCh37 (hg19) VCF-style: chr6-39876849-G-C.
Other names: c.1132C>G, p.Arg378Gly (NM_001075098.4, NM_005943.6); c.871C>G, p.Arg291Gly (NM_001358531.2, NM_001358533.2, NM_001358534.2); c.1102+762C>G (NM_001358529.2); short protein forms R291G, R378G.
Identifiers: ClinVar variation 905775 (VCV000905775.11), dbSNP rs149586823, ClinGen allele CA3796019.
Genomic context (GRCh38, chr6:39,909,073, plus strand): 5'-AAATGACAAGGGTGAGTGGTTACGTACTGATGGGTCACCCACCGATGAGGATCATGGGCC[G>C]GTTCTTCATCTGGGAAATACTGAACATGCCTGGGGTGAGGGAAAGATGGGGAGGGAGAGG-3'
Protein context (NP_001345459.1, residues 368-388): GMFSISQMKN[Arg378Gly]PMILIELFLM

ClinVar aggregate classification (germline): Uncertain significance. Review status: criteria provided, multiple submitters, no conflicts (2 of 4 stars). 6 submissions from 6 submitters: Uncertain significance (5). 1 of the submissions does not count toward it. Last evaluated 2026-04-08.

Conditions:
MOCS1-related disorder. Also called: MOCS1-related condition.
Sulfite oxidase deficiency due to molybdenum cofactor deficiency type A. Also called: Molybdenum cofactor deficiency, complementation group A; Molybdenum Cofactor Deficiency A. Identifiers: Orphanet 308386, Orphanet 833, MedGen C1854988, MONDO:0009643, OMIM 252150.
Inborn genetic diseases. Identifiers: MedGen C0950123, MeSH D030342.

Allele frequency attached by ClinVar (database versions not stated): TOPMed 0.00035; ESP Exome Variant Server 0.00046.
gnomAD v4.1: 520 of 1,611,760 alleles (0.032%); highest among the groups gnomAD compares: Non-Finnish European, 0.039%; no homozygotes.

Submissions (6):

Ambry Genetics
Classification: Uncertain significance for Inborn genetic diseases. Last evaluated: 2026-04-08. Review status: criteria provided, single submitter. Criteria: Ambry Variant Classification Scheme 2023. Collection method: clinical testing. Allele origin: germline.
Comment: The c.1132C>G (p.R378G) alteration is located in exon 9 (coding exon 9) of the MOCS1 gene. This alteration results from a C to G substitution at nucleotide position 1132, causing the arginine (R) at amino acid position 378 to be replaced by a glycine (G). Based on data from gnomAD, the G allele has an overall frequency of 0.021% (60/282568) total alleles studied. The highest observed frequency was 0.042% (3/7222) of Other alleles. Based on insufficient or conflicting evidence, the clinical significance of this alteration remains unclear.

Blueprint Genetics
Classification: Uncertain significance. Last evaluated: 2024-11-14. Review status: criteria provided, single submitter. Criteria: ACMG Guidelines, 2015. Collection method: clinical testing. Allele origin: germline.

Fulgent Genetics
Classification: Uncertain significance for Sulfite oxidase deficiency due to molybdenum cofactor deficiency type A. Last evaluated: 2024-01-22. Review status: criteria provided, single submitter. Criteria: ACMG Guidelines, 2015. Collection method: clinical testing. Allele origin: germline.

Labcorp Genetics (formerly Invitae), Labcorp
Classification: Uncertain significance for Sulfite oxidase deficiency due to molybdenum cofactor deficiency type A. Last evaluated: 2022-08-23. Review status: criteria provided, single submitter. Criteria: Invitae Variant Classification Sherloc (09022015). Collection method: clinical testing. Allele origin: germline.
Comment: This sequence change replaces arginine, which is basic and polar, with glycine, which is neutral and non-polar, at codon 378 of the MOCS1 protein (p.Arg378Gly). This variant is present in population databases (rs149586823, gnomAD 0.03%). This variant has not been reported in the literature in individuals affected with MOCS1-related conditions. ClinVar contains an entry for this variant (Variation ID: 905775). Algorithms developed to predict the effect of missense changes on protein structure and function are either unavailable or do not agree on the potential impact of this missense change (SIFT: "Not Available"; PolyPhen-2: "Probably Damaging"; Align-GVGD: "Not Available"). In summary, the available evidence is currently insufficient to determine the role of this variant in disease. Therefore, it has been classified as a Variant of Uncertain Significance.

Illumina Laboratory Services, Illumina
Classification: Uncertain significance for Sulfite oxidase deficiency due to molybdenum cofactor deficiency type A. Last evaluated: 2018-01-13. Review status: criteria provided, single submitter. Criteria: ICSL Variant Classification Criteria 13 December 2019. Collection method: clinical testing. Allele origin: germline.

PreventionGenetics, part of Exact Sciences
Classification: Uncertain significance for MOCS1-related condition. Last evaluated: 2024-08-11. Review status: no assertion criteria provided. Collection method: clinical testing. Allele origin: germline. Not counted in ClinVar's aggregate classification.
Comment: The MOCS1 c.1132C>G variant is predicted to result in the amino acid substitution p.Arg378Gly. To our knowledge, this variant has not been reported in the literature. This variant is reported in 0.035% of alleles in individuals of European (Non-Finnish) descent in gnomAD. At this time, the clinical significance of this variant is uncertain due to the absence of conclusive functional and genetic evidence.